The following is an entry in ClinVar:

NM_000152.5(GAA):c.377G>A (p.Trp126Ter)

Gene: GAA (alpha glucosidase; plus strand). Cytogenetic location: 17q25.3.
Variant type: single nucleotide variant.
Coding change: c.377G>A on transcript NM_000152.5 (MANE Select); coding-DNA position 377, G replaced by A.
Protein change: p.Trp126Ter; replaces tryptophan 126 with a stop codon.
Molecular consequence: nonsense.
Genome position (GRCh38, 1-based): chr17:80,104,963, G>A. VCF-style: chr17-80104963-G-A. GRCh37 (hg19) VCF-style: chr17-78078762-G-A.
Other names: c.377G>A, p.Trp126Ter (NM_001079803.3, NM_001079804.3); short protein forms W126*.
Identifiers: ClinVar variation 932904 (VCV000932904.13), dbSNP rs1011631903, ClinGen allele CA294887189.

ClinVar aggregate classification (germline): Pathogenic. Review status: reviewed by expert panel (3 of 4 stars). 4 submissions from 4 submitters: Pathogenic (1). 3 of the submissions do not count toward it. Last evaluated 2020-04-20.

Conditions:
Glycogen storage disease, type II (IOPD). Also called: Glycogen storage disease type 2; Acid maltase deficiency disease; Aglucosidase alfa; Deficiency of alpha-glucosidase; Deficiency of lysosomal alpha-glucosidase; Glucosidase acid-1,4-alpha deficiency. Identifiers: Orphanet 365, MedGen C0017921, MONDO:0009290, OMIM 232300.

Submissions (4):

ClinGen Lysosomal Storage Disorder Variant Curation Expert Panel
Classification: Pathogenic for Glycogen storage disease, type II. Last evaluated: 2020-04-20. Review status: reviewed by expert panel. Criteria: ClinGen LSD ACMG Specifications v1. Collection method: curation. Allele origin: germline. Inheritance: Autosomal recessive inheritance.
Comment: This variant, c.377G>A (p.Trp126Ter), is a nonsense variant that is predicted to result in nonsense mediated decay and lack of gene product, meeting PVS1. Five individuals with Pompe disease and residual GAA activity meeting PP4 specifications have been reported with this variant (PMIDs 17056254, 25681614). One of these individuals is compound heterozygous for the variant and c.236_246del (p.Pro79ArgfsX13); as the mother is heterozygous for the variant, it is likely that the variants are in trans (PMID 17056254). Another individual is the proband in a family of three siblings with late onset Pompe disease who are all compound heterozygous for the variant and c.-32-13T>G. Finally, an individual with infantile onset Pompe disease appeared to be homozygous for the variant (PMID 17056254). While the mother was heterozygous, the father was neither confirmed to be a carrier, nor appeared to have a deletion. Non-paternity was not ruled out. This data will not be included because the nature of the second variant is unclear. This in trans data meets PM3. An additional case has been reported but was not included because the residual GAA activity was not provided and therefore PP4 cannot be assessed (PMID 19588081). The variant is absent in gnomAD v2.1.1, meeting PM2. There is no ClinVar entry for this variant. In summary, the variant meets the criteria to be classified as pathogenic for Pompe disease. ACMG-AMP criteria met, based on the specifications of the ClinGen LSD VCEP: PVS1, PM2, PM3, PP4.

Genomenon, Inc
Classification: Pathogenic for Glycogen storage disease, type II. Last evaluated: 2026-07-01. Review status: criteria provided, single submitter. Criteria: Genomenon Sequence Variant Interpretation Standards - Updated. Collection method: curation. Allele origin: germline. Affected: yes. Not counted in ClinVar's aggregate classification.
Comment: GAA p.Trp126Ter (c.377G>A) is a nonsense variant that introduces a premature stop codon at amino acid position 126 and is predicted to result in a truncated or absent protein product. This variant has been observed in at least one proband with a GAA-related disorder (PMID:17056254;19588081;25681614). It is absent or not present at a significant frequency in gnomAD. In conclusion, we classify GAA p.Trp126Ter (c.377G>A) as a pathogenic variant.

Labcorp Genetics (formerly Invitae), Labcorp
Classification: Pathogenic for Glycogen storage disease, type II. Last evaluated: 2025-10-26. Review status: criteria provided, single submitter. Criteria: Invitae Variant Classification Sherloc (09022015). Collection method: clinical testing. Allele origin: germline. Not counted in ClinVar's aggregate classification.
Comment: This sequence change creates a premature translational stop signal (p.Trp126*) in the GAA gene. It is expected to result in an absent or disrupted protein product. Loss-of-function variants in GAA are known to be pathogenic (PMID: 18425781, 22252923). This variant is not present in population databases (gnomAD no frequency). This premature translational stop signal has been observed in individual(s) with Pompe disease (PMID: 17056254). ClinVar contains an entry for this variant (Variation ID: 932904). For these reasons, this variant has been classified as Pathogenic.

3billion
Classification: Pathogenic for Glycogen storage disease, type II. Last evaluated: 2025-01-07. Review status: criteria provided, single submitter. Criteria: ACMG Guidelines, 2015. Collection method: clinical testing. Allele origin: germline. Affected: yes. Not counted in ClinVar's aggregate classification.
Comment: The variant is not observed in the gnomAD v4.1.0 dataset. Predicted Consequence/Location: Stop-gained (nonsense): predicted to result in a loss or disruption of normal protein function through nonsense-mediated decay (NMD) or protein truncation. Multiple pathogenic variants are reported downstream of the variant. The variant has been reported multiple times as an established pathogenic variant (ClinVar ID: VCV000932904 /PMID: 17056254). Therefore, this variant is classified as Pathogenic according to the recommendation of ACMG/AMP guideline.

Literature cited by the submitters: PubMed 17056254 (cited by 4 submitters); PubMed 19588081 (cited by ClinGen Lysosomal Storage Disorder Variant Curation Expert Panel and Genomenon, Inc); PubMed 25681614 (cited by ClinGen Lysosomal Storage Disorder Variant Curation Expert Panel and Genomenon, Inc); PubMed 18425781 (cited by Labcorp Genetics (formerly Invitae), Labcorp); PubMed 22252923 (cited by Labcorp Genetics (formerly Invitae), Labcorp).